The following is an entry in ClinVar:

NM_080916.3(DGUOK):c.4G>T (p.Ala2Ser)

Genes: DGUOK (deoxyguanosine kinase; plus strand), LOC129934096 (ATAC-STARR-seq lymphoblastoid active region 16036; plus strand). Cytogenetic location: 2p13.1.
Variant type: single nucleotide variant.
Coding change: c.4G>T on transcript NM_080916.3 (MANE Select); coding-DNA position 4, G replaced by T.
Protein change: p.Ala2Ser; replaces alanine 2 with serine.
Molecular consequence: missense variant. On other transcripts: 5 prime UTR variant (4), non-coding transcript variant (6).
Genome position (GRCh38, 1-based): chr2:73,926,914, G>T. VCF-style: chr2-73926914-G-T. GRCh37 (hg19) VCF-style: chr2-74154041-G-T.
Other names: p.A2S:GCC>TCC; c.4G>T, p.Ala2Ser (NM_001318859.2, NM_080918.3); c.-175G>T (NM_001318860.2, NM_001318863.2); c.-261G>T (NM_001318861.2, NM_001318862.2); short protein forms A2S.
Identifiers: ClinVar variation 193482 (VCV000193482.73), dbSNP rs147551003, ClinGen allele CA239004.

ClinVar aggregate classification (germline): Conflicting classifications of pathogenicity. Review status: criteria provided, conflicting classifications (1 of 4 stars). 13 submissions from 13 submitters: Uncertain significance (3); Benign (2); Likely benign (2). 6 of the submissions do not count toward it. Last evaluated 2026-09-01.

Conditions:
DGUOK-related disorder. Also called: DGUOK-related condition.
Mitochondrial DNA depletion syndrome 3 (hepatocerebral type). Also called: MITOCHONDRIAL DNA DEPLETION SYNDROME 3; Deoxyguanosine Kinase Deficiency; Mitochondrial DNA depletion syndrome, hepatocerebral form due to DGUOK deficiency. Identifiers: Orphanet 279934, MedGen CN074093, MONDO:0009636, OMIM 251880.

Allele frequency attached by ClinVar (database versions not stated): 1000 Genomes Project 0.00120; 1000 Genomes Project 30x 0.00125; ExAC 0.00235; gnomAD exomes 0.00255; gnomAD 0.00280; TOPMed 0.00325; ESP Exome Variant Server 0.00338.
gnomAD v4.1: 7,778 of 1,613,382 alleles (0.48%); highest among the groups gnomAD compares: Non-Finnish European, 0.61%; 28 homozygotes.

Submissions (13):

CeGaT Center for Human Genetics Tuebingen
Classification: Likely benign. Last evaluated: 2026-09-01. Review status: criteria provided, single submitter. Criteria: CeGaT Center For Human Genetics Tuebingen Variant Classification Criteria Version 2. Collection method: clinical testing. Allele origin: germline. Affected: yes. Observed: 18 variant alleles.
Comment: DGUOK: BS2

Labcorp Genetics (formerly Invitae), Labcorp
Classification: Benign. Last evaluated: 2026-01-26. Review status: criteria provided, single submitter. Criteria: Invitae Variant Classification Sherloc (09022015). Collection method: clinical testing. Allele origin: germline.

GeneDx
Classification: Likely benign. Last evaluated: 2020-11-20. Review status: criteria provided, single submitter. Criteria: GeneDx Variant Classification Process June 2021. Collection method: clinical testing. Allele origin: germline. Affected: yes.
Comment: This variant is associated with the following publications: (PMID: 19748572, 18828154, 22622127, 17073823)

Mendelics
Classification: Benign for Mitochondrial DNA depletion syndrome 3 (hepatocerebral type). Last evaluated: 2019-05-28. Review status: criteria provided, single submitter. Criteria: Mendelics Assertion Criteria 2017. Collection method: clinical testing. Allele origin: unknown.

Eurofins Ntd Llc (ga)
Classification: Uncertain significance. Last evaluated: 2018-04-03. Review status: criteria provided, single submitter. Criteria: EGL ClinVar v180209 classification definitions. Collection method: clinical testing. Allele origin: germline. Observed: 18 variant alleles, 18 heterozygotes.

Illumina Laboratory Services, Illumina
Classification: Uncertain significance for Mitochondrial DNA depletion syndrome 3 (hepatocerebral type). Last evaluated: 2017-04-27. Review status: criteria provided, single submitter. Criteria: ICSL Variant Classification Criteria 13 December 2019. Collection method: clinical testing. Allele origin: germline.
Comment: This variant was observed as part of a predisposition screen in an ostensibly healthy population. A literature search was performed for the gene, cDNA change, and amino acid change (where applicable). Publications were found based on this search. However, the evidence from the literature, in combination with allele frequency data from public databases where available, was not sufficient to rule this variant in or out of causing disease. Therefore, this variant is classified as a variant of unknown significance.

Center for Pediatric Genomic Medicine, Children's Mercy Hospital and Clinics
Classification: Uncertain significance. Last evaluated: 2016-01-18. Review status: criteria provided, single submitter. Criteria: ACMG Guidelines, 2015. Collection method: clinical testing. Allele origin: germline.
ClinVar note: Converted during submission from Uncertain Significance to Uncertain significance.

PreventionGenetics, part of Exact Sciences
Classification: Likely benign for DGUOK-related condition. Last evaluated: 2021-11-12. Review status: no assertion criteria provided. Collection method: clinical testing. Allele origin: germline. Not counted in ClinVar's aggregate classification.
Comment: This variant is classified as likely benign based on ACMG/AMP sequence variant interpretation guidelines (Richards et al. 2015 PMID: 25741868, with internal and published modifications).

Mayo Clinic Laboratories, Mayo Clinic
Classification: Uncertain significance. Last evaluated: 2016-03-08. Review status: no assertion criteria provided. Collection method: clinical testing. Allele origin: unknown. Not counted in ClinVar's aggregate classification.

Clinical Genetics DNA and cytogenetics Diagnostics Lab, Erasmus MC, Erasmus Medical Center
Classification: Uncertain significance. Review status: no assertion criteria provided. Collection method: clinical testing. Allele origin: germline. Affected: yes. Study: VKGL Data-share Consensus. Not counted in ClinVar's aggregate classification.

Clinical Genetics, Academic Medical Center
Classification: Uncertain significance. Review status: no assertion criteria provided. Collection method: clinical testing. Allele origin: germline. Affected: yes. Study: VKGL Data-share Consensus. Not counted in ClinVar's aggregate classification.

Department of Pathology and Laboratory Medicine, Sinai Health System
Classification: Likely benign. Review status: no assertion criteria provided. Collection method: clinical testing. Allele origin: unknown. Affected: yes. Study: The Canadian Open Genetics Repository (COGR). Not counted in ClinVar's aggregate classification.
Comment: The DGUOK p.Ala2Ser variant was identified as a compound heterozygous variant in two pediatric cases with mitochondrial DNA depletion syndrome (Mousson_de_Camaret_2007_PMID: 17073823; Buchaklian_2012_PMID: 22622127). The variant was identified in dbSNP (ID: rs147551003) and ClinVar (classified as uncertain significance by Children's Mercy Hospital, GeneDx, Mayo Clinic, EGL Genetic Diagnostics, CeGaT Praxis; and as benign by Invitae and Mendelics). The variant was identified in control databases in 727 of 281762 chromosomes (3 homozygous) at a frequency of 0.00258 increasing the likelihood this could be a low frequency benign variant (Genome Aggregation Database March 6, 2019, v2.1.1). The variant was observed in the following populations: European (non-Finnish) in 570 of 128878 chromosomes (freq: 0.004423), Latino in 91 of 35430 chromosomes (freq: 0.002568), Other in 16 of 7212 chromosomes (freq: 0.002219), Ashkenazi Jewish in 11 of 10352 chromosomes (freq: 0.001063), African in 22 of 24908 chromosomes (freq: 0.000883), South Asian in 14 of 30616 chromosomes (freq: 0.000457) and European (Finnish) in 3 of 24434 chromosomes (freq: 0.000123), but was not observed in the East Asian population. The p.Ala2 residue is not conserved in mammals and computational analyses (PolyPhen-2, SIFT, AlignGVGD, BLOSUM, MutationTaster) do not suggest a high likelihood of impact to the protein; however, this information is not predictive enough to rule out pathogenicity. The variant occurs outside of the splicing consensus sequence and in silico or computational prediction software programs (SpliceSiteFinder, MaxEntScan, NNSPLICE, GeneSplicer) do not predict a difference in splicing. In summary, based on the above information the clinical significance of this variant cannot be determined with certainty at this time although we would lean towards a more benign role for this variant. This variant is classified as likely benign.

Diagnostic Laboratory, Department of Genetics, University Medical Center Groningen
Classification: Uncertain significance. Review status: no assertion criteria provided. Collection method: clinical testing. Allele origin: germline. Affected: yes. Study: VKGL Data-share Consensus. Not counted in ClinVar's aggregate classification.

Literature cited by the submitters: PubMed 17073823 (cited by Eurofins Ntd Llc (ga) and Illumina Laboratory Services, Illumina); PubMed 22622127 (cited by Eurofins Ntd Llc (ga)).